The following is an entry in ClinVar:

NM_001364905.1(LRBA):c.4340-3C>A

Gene: LRBA (LPS responsive beige-like anchor protein; minus strand). Cytogenetic location: 4q31.3.
Variant type: single nucleotide variant.
Coding change: c.4340-3C>A on transcript NM_001364905.1 (MANE Select); 3 bases into the intron before coding-DNA position 4340, C replaced by A.
Molecular consequence: intron variant.
Genome position (GRCh38, 1-based): chr4:150,844,782, G>T on the plus strand (C>A on the coding strand, the complement: LRBA is on the minus strand). VCF-style: chr4-150844782-G-T. GRCh37 (hg19) VCF-style: chr4-151765934-G-T.
Other names: c.4340-3C>A (NM_001367550.1, NM_006726.5, NM_001199282.3 and 2 more transcripts).
Identifiers: ClinVar variation 1017925 (VCV001017925.6), dbSNP rs1749616792, ClinGen allele CA1503629802.

ClinVar aggregate classification (germline): Uncertain significance (1 of 4 stars; one submission).

Conditions:
Combined immunodeficiency due to LRBA deficiency. Also called: Common variable immunodeficiency 8, with autoimmunity. Identifiers: Orphanet 445018, MedGen C3553512, MONDO:0013863, OMIM 614700.

Submission:

Labcorp Genetics (formerly Invitae), Labcorp
Classification: Uncertain significance for Combined immunodeficiency due to LRBA deficiency. Last evaluated: 2021-08-27. Review status: criteria provided, single submitter. Criteria: Invitae Variant Classification Sherloc (09022015). Collection method: clinical testing. Allele origin: germline.
Comment: This sequence change falls in intron 26 of the LRBA gene. It does not directly change the encoded amino acid sequence of the LRBA protein. It affects a nucleotide within the consensus splice site of the intron. This variant is not present in population databases (ExAC no frequency). This variant has not been reported in the literature in individuals affected with LRBA-related conditions. Variants that disrupt the consensus splice site are a relatively common cause of aberrant splicing (PMID: 17576681, 9536098). Algorithms developed to predict the effect of sequence changes on RNA splicing suggest that this variant may disrupt the consensus splice site. In summary, the available evidence is currently insufficient to determine the role of this variant in disease. Therefore, it has been classified as a Variant of Uncertain Significance.

Literature cited by the submitters: PubMed 17576681; PubMed 9536098.